The following is an entry in ClinVar:

ClinVar aggregate classification (germline): Uncertain significance. Review status: criteria provided, multiple submitters, no conflicts (2 of 4 stars). 4 submissions from 4 submitters: Uncertain significance (4). Last evaluated 2025-09-19.

Conditions:
King Denborough syndrome (KDS). Identifiers: MedGen C1840365, MONDO:0020485, OMIM 619542.
Congenital multicore myopathy with external ophthalmoplegia (CMYO1B). Also called: MULTICORE MYOPATHY; Minicore myopathy with external ophthalmoplegia; Congenital myopathy 1B, autosomal recessive; Minicore myopathy; MULTIMINICORE DISEASE WITH EXTERNAL OPHTHALMOPLEGIA. Identifiers: Orphanet 598, Orphanet 98905, MedGen C1850674, MONDO:0009712, OMIM 255320, HP:0003789.
Malignant hyperthermia, susceptibility to, 1 (MHS1). Also called: RYR1-Related Malignant Hyperthermia Susceptibility; Malignant hyperthermia suceptibility 1; Anesthesia related hyperthermia; Malignant hyperpyrexia; Fulminating hyperpyrexia; Pharmacogenic myopathy. Identifiers: Orphanet 423, MedGen C2930980, MONDO:0007783, OMIM 145600.
Congenital myopathy with fiber type disproportion. Also called: Congenital fiber-type disproportion myopathy; Congenital fiber-type disproportion. Identifiers: Orphanet 2020, MedGen C0546264, MONDO:0009711. Inheritance: all.
Central core myopathy (CMYO1A). Also called: CONGENITAL MYOPATHY 1A, AUTOSOMAL DOMINANT, WITH SUSCEPTIBILITY TO MALIGNANT HYPERTHERMIA; Central core disease; Myopathy, central fibrillar. Identifiers: Orphanet 597, MedGen C5830701, MONDO:0007294, OMIM 117000.
RYR1-related disorder. Also called: RYR1-related condition; RYR1-related disorders. Identifiers: MedGen CN239331.

Allele frequency attached by ClinVar (database versions not stated): TOPMed 0.00002.
gnomAD v4.1: 10 of 1,614,018 alleles (0.00062%); highest among the groups gnomAD compares: Admixed American, 0.017%; no homozygotes.

Submissions (4):

Labcorp Genetics (formerly Invitae), Labcorp
Classification: Uncertain significance for RYR1-related disorder. Last evaluated: 2025-09-19. Review status: criteria provided, single submitter. Criteria: Invitae Variant Classification Sherloc (09022015). Collection method: clinical testing. Allele origin: germline.
Comment: This sequence change replaces leucine, which is neutral and non-polar, with phenylalanine, which is neutral and non-polar, at codon 521 of the RYR1 protein (p.Leu521Phe). This variant is present in population databases (rs750009277, gnomAD 0.02%). This variant has not been reported in the literature in individuals affected with RYR1-related conditions. ClinVar contains an entry for this variant (Variation ID: 451318). Invitae Evidence Modeling of protein sequence and biophysical properties (such as structural, functional, and spatial information, amino acid conservation, physicochemical variation, residue mobility, and thermodynamic stability) has been performed for this missense variant. However, the output from this modeling did not meet the statistical confidence thresholds required to predict the impact of this variant on RYR1 protein function. In summary, the available evidence is currently insufficient to determine the role of this variant in disease. Therefore, it has been classified as a Variant of Uncertain Significance.

Color Diagnostics, LLC DBA Color Health
Classification: Uncertain significance for Malignant hyperthermia, susceptibility to, 1. Last evaluated: 2024-07-23. Review status: criteria provided, single submitter. Criteria: ACMG Guidelines, 2015. Collection method: clinical testing. Allele origin: germline.
Comment: This missense variant replaces leucine with phenylalanine at codon 521 of the RYR1 protein. Computational prediction suggests that this variant may have deleterious impact on protein structure and function. To our knowledge, functional studies have not been reported for this variant. This variant has not been reported in individuals affected with RYR1-related disorders in the literature. This variant has been identified in 9/251490 chromosomes in the general population by the Genome Aggregation Database (gnomAD). The available evidence is insufficient to determine the role of this variant in disease conclusively. Therefore, this variant is classified as a Variant of Uncertain Significance.

Fulgent Genetics
Classification: Uncertain significance for Central core myopathy; Malignant hyperthermia, susceptibility to, 1; Congenital myopathy 4A, autosomal dominant; Congenital multicore myopathy with external ophthalmoplegia; King Denborough syndrome. Last evaluated: 2021-09-24. Review status: criteria provided, single submitter. Criteria: ACMG Guidelines, 2015. Collection method: clinical testing. Allele origin: unknown.

GeneDx
Classification: Uncertain significance. Last evaluated: 2017-08-17. Review status: criteria provided, single submitter. Criteria: GeneDx Variant Classification (06012015). Collection method: clinical testing. Allele origin: germline. Affected: yes.
Comment: The L521F variant has not been published as a pathogenic variant, nor has it been reported as a benign variant to our knowledge. The L521F variant is observed in 3/11,578 (0.03%) alleles from individuals of Latino background (Lek et al., 2016; 1000 Genomes Consortium et al., 2015; Exome Variant Server). This variant is a conservative amino acid substitution, which is not likely to impact secondary protein structure as these residues share similar properties. However, this substitution occurs at a position that is conserved across species, and in silico analysis is inconsistent in its predictions as to whether or not the variant is damaging to the protein structure/function.

NM_000540.3(RYR1):c.1561C>T (p.Leu521Phe)

Genes: RYR1 (ryanodine receptor 1; plus strand), LOC129391106 (MPRA-validated peak3472 silencer; plus strand). Cytogenetic location: 19q13.2.
Variant type: single nucleotide variant.
Coding change: c.1561C>T on transcript NM_000540.3 (MANE Select); coding-DNA position 1561, C replaced by T.
Protein change: p.Leu521Phe; replaces leucine 521 with phenylalanine.
Molecular consequence: missense variant.
Genome position (GRCh38, 1-based): chr19:38,455,355, C>T. VCF-style: chr19-38455355-C-T. GRCh37 (hg19) VCF-style: chr19-38945995-C-T.
Other names: c.1561C>T, p.Leu521Phe (NM_001042723.2); short protein forms L521F.
Identifiers: ClinVar variation 451318 (VCV000451318.7), dbSNP rs750009277, ClinGen allele CA062105.